The following is an entry in ClinVar:

NM_018668.5(VPS33B):c.558C>A (p.Leu186=)

Gene: VPS33B (VPS33B late endosome and lysosome associated; minus strand). Cytogenetic location: 15q26.1.
Variant type: single nucleotide variant.
Coding change: c.558C>A on transcript NM_018668.5 (MANE Select); coding-DNA position 558, C replaced by A.
Protein change: p.Leu186=; no amino-acid change (leucine 186 retained).
Molecular consequence: synonymous variant.
Genome position (GRCh38, 1-based): chr15:91,007,514, G>T on the plus strand (C>A on the coding strand, the complement: VPS33B is on the minus strand). VCF-style: chr15-91007514-G-T. GRCh37 (hg19) VCF-style: chr15-91550744-G-T.
Other names: c.477C>A, p.Leu159= (NM_001289148.1); c.285C>A, p.Leu95= (NM_001289149.1).
Identifiers: ClinVar variation 3389672 (VCV003389672.14).

ClinVar aggregate classification (germline): Likely benign (1 of 4 stars; one submission).

Submission:

CeGaT Center for Human Genetics Tuebingen
Classification: Likely benign. Last evaluated: 2024-09-01. Review status: criteria provided, single submitter. Criteria: CeGaT Center For Human Genetics Tuebingen Variant Classification Criteria Version 2. Collection method: clinical testing. Allele origin: germline. Affected: yes. Observed: 1 variant allele.
Comment: VPS33B: BP4, BP7